The following is an entry in ClinVar:

NM_021620.4(PRDM13):c.-9G>A

Gene: PRDM13 (PR/SET domain 13; plus strand). Cytogenetic location: 6q16.2.
Variant type: single nucleotide variant.
Coding change: c.-9G>A on transcript NM_021620.4 (MANE Select); 9 bases upstream of the start codon, G replaced by A.
Molecular consequence: 5 prime UTR variant.
Genome position (GRCh38, 1-based): chr6:99,607,026, G>A. VCF-style: chr6-99607026-G-A. GRCh37 (hg19) VCF-style: chr6-100054902-G-A.
Other names: c.-9G>A (NM_021620.3).
Identifiers: ClinVar variation 3249205 (VCV003249205.3).

ClinVar aggregate classification (germline): Likely benign. Review status: criteria provided, multiple submitters, no conflicts (2 of 4 stars). 3 submissions from 3 submitters: Likely benign (2). 1 of the submissions does not count toward it. Last evaluated 2025-02-27.

Conditions:
Retinal dystrophy. Also called: Inherited retinal dystrophy. Identifiers: Orphanet 71862, MedGen C0854723, MeSH D058499, MONDO:0019118, HP:0000556.
PRDM13-related disorder. Also called: PRDM13-related condition.

gnomAD v4.1: 281 of 1,604,326 alleles (0.018%); highest among the groups gnomAD compares: South Asian, 0.074%; 2 homozygotes.

Submissions (3):

PreventionGenetics, part of Exact Sciences
Classification: Likely benign for PRDM13-related condition. Last evaluated: 2025-02-27. Review status: criteria provided, single submitter. Criteria: ACMG Guidelines, 2015. Collection method: clinical testing. Allele origin: germline.
Comment: This variant is classified as likely benign based on ACMG/AMP sequence variant interpretation guidelines (Richards et al. 2015 PMID: 25741868, with internal and published modifications).

Blueprint Genetics
Classification: Likely benign. Last evaluated: 2024-11-08. Review status: criteria provided, single submitter. Criteria: ACMG Guidelines, 2015. Collection method: clinical testing. Allele origin: germline.

Institute of Human Genetics, Univ. Regensburg, Univ. Regensburg
Classification: Uncertain significance for Retinal dystrophy. Last evaluated: 2022-01-01. Review status: no assertion criteria provided. Criteria: ACMG Guidelines, 2015. Collection method: clinical testing. Allele origin: germline. Affected: yes. Not counted in ClinVar's aggregate classification.